The following is an entry in ClinVar:

ClinVar aggregate classification (germline): Uncertain significance (1 of 4 stars; one submission).

Submission:

Labcorp Genetics (formerly Invitae), Labcorp
Classification: Uncertain significance. Last evaluated: 2025-12-11. Review status: criteria provided, single submitter. Criteria: Invitae Variant Classification Sherloc (09022015). Collection method: clinical testing. Allele origin: germline.
Comment: This sequence change replaces asparagine, which is neutral and polar, with lysine, which is basic and polar, at codon 1365 of the CACNA1F protein (p.Asn1365Lys). This variant is not present in population databases (gnomAD no frequency). This variant has not been reported in the literature in individuals affected with CACNA1F-related conditions. ClinVar contains an entry for this variant (Variation ID: 1053453). Invitae Evidence Modeling of protein sequence and biophysical properties (such as structural, functional, and spatial information, amino acid conservation, physicochemical variation, residue mobility, and thermodynamic stability) indicates that this missense variant is expected to disrupt CACNA1F protein function with a positive predictive value of 80%. In summary, the available evidence is currently insufficient to determine the role of this variant in disease. Therefore, it has been classified as a Variant of Uncertain Significance.

NM_001256789.3(CACNA1F):c.4062C>G (p.Asn1354Lys)

Gene: CACNA1F (calcium voltage-gated channel subunit alpha1 F; minus strand). Cytogenetic location: Xp11.23.
Variant type: single nucleotide variant.
Coding change: c.4062C>G on transcript NM_001256789.3 (MANE Select); coding-DNA position 4062, C replaced by G.
Protein change: p.Asn1354Lys; replaces asparagine 1354 with lysine.
Molecular consequence: missense variant.
Genome position (GRCh38, 1-based): chrX:49,211,936, G>C on the plus strand (C>G on the coding strand, the complement: CACNA1F is on the minus strand). VCF-style: chrX-49211936-G-C. GRCh37 (hg19) VCF-style: chrX-49068396-G-C.
Other names: c.3900C>G, p.Asn1300Lys (NM_001256790.3); c.4095C>G, p.Asn1365Lys (NM_005183.4); short protein forms N1300K, N1354K, N1365K.
Identifiers: ClinVar variation 1053453 (VCV001053453.9), dbSNP rs1557106348, ClinGen allele CA412961913.
Genomic context (GRCh38, chrX:49,211,936, plus strand): 5'-CAGGGGAGTGAGTAGATGTCACCTGAACAGAAGCAGCACAGCCTGTGGAAAGGTCTGGAA[G>C]TTGTTGTTTCGGTTTATCTGTGTGCCATCCTGAAGAGCCACCTTGCCGAACATCTGTGGA-3'
Protein context (NP_001243718.1, residues 1344-1364): QDGTQINRNN[Asn1354Lys]FQTFPQAVLL